The following is an entry in ClinVar:

ClinVar aggregate classification (germline): Uncertain significance (1 of 4 stars; one submission).

Allele frequency attached by ClinVar (database versions not stated): gnomAD exomes below 0.00001.
gnomAD v4.1: 3 of 1,614,184 alleles (0.00019%); highest among the groups gnomAD compares: South Asian, 0.0022%; no homozygotes.

Submission:

Labcorp Genetics (formerly Invitae), Labcorp
Classification: Uncertain significance. Last evaluated: 2022-10-20. Review status: criteria provided, single submitter. Criteria: Invitae Variant Classification Sherloc (09022015). Collection method: clinical testing. Allele origin: germline.
Comment: This sequence change replaces valine, which is neutral and non-polar, with methionine, which is neutral and non-polar, at codon 1118 of the DUOX2 protein (p.Val1118Met). This variant is present in population databases (no rsID available, gnomAD 0.007%). This variant has not been reported in the literature in individuals affected with DUOX2-related conditions. Advanced modeling of protein sequence and biophysical properties (such as structural, functional, and spatial information, amino acid conservation, physicochemical variation, residue mobility, and thermodynamic stability) performed at Invitae indicates that this missense variant is not expected to disrupt DUOX2 protein function. In summary, the available evidence is currently insufficient to determine the role of this variant in disease. Therefore, it has been classified as a Variant of Uncertain Significance.

NM_001363711.2(DUOX2):c.3352G>A (p.Val1118Met)

Gene: DUOX2 (dual oxidase 2; minus strand). Cytogenetic location: 15q21.1.
Variant type: single nucleotide variant.
Coding change: c.3352G>A on transcript NM_001363711.2 (MANE Select); coding-DNA position 3352, G replaced by A.
Protein change: p.Val1118Met; replaces valine 1118 with methionine.
Molecular consequence: missense variant.
Genome position (GRCh38, 1-based): chr15:45,099,725, C>T on the plus strand (G>A on the coding strand, the complement: DUOX2 is on the minus strand). VCF-style: chr15-45099725-C-T. GRCh37 (hg19) VCF-style: chr15-45391923-C-T.
Other names: c.3352G>A, p.Val1118Met (NM_014080.5); short protein forms V1118M.
Identifiers: ClinVar variation 1969309 (VCV001969309.2), dbSNP rs1160396004, ClinGen allele CA392260066.